The following is an entry in ClinVar:

NM_198129.4(LAMA3):c.9866C>T (p.Thr3289Met)

Gene: LAMA3 (laminin subunit alpha 3; plus strand). Cytogenetic location: 18q11.2.
Variant type: single nucleotide variant.
Coding change: c.9866C>T on transcript NM_198129.4 (MANE Select); coding-DNA position 9866, C replaced by T.
Protein change: p.Thr3289Met; replaces threonine 3289 with methionine.
Molecular consequence: missense variant.
Genome position (GRCh38, 1-based): chr18:23,954,512, C>T. VCF-style: chr18-23954512-C-T. GRCh37 (hg19) VCF-style: chr18-21534476-C-T.
Other names: c.5039C>T, p.Thr1680Met (NM_000227.6); c.9698C>T, p.Thr3233Met (NM_001127717.4); c.4871C>T, p.Thr1624Met (NM_001127718.4); short protein forms T3233M, T1624M, T1680M, T3289M.
Identifiers: ClinVar variation 2208146 (VCV002208146.4), dbSNP rs762904852, ClinGen allele CA8917347.

ClinVar aggregate classification (germline): Uncertain significance. Review status: criteria provided, multiple submitters, no conflicts (2 of 4 stars). 2 submissions from 2 submitters: Uncertain significance (2). Last evaluated 2024-07-29.

Conditions:
Inborn genetic diseases. Identifiers: MedGen C0950123, MeSH D030342.

Allele frequency attached by ClinVar (database versions not stated): gnomAD 0.00005; gnomAD exomes 0.00005; TOPMed 0.00005; ExAC 0.00012.
gnomAD v4.1: 76 of 1,613,326 alleles (0.0047%); highest among the groups gnomAD compares: South Asian, 0.029%; no homozygotes.

Submissions (2):

Labcorp Genetics (formerly Invitae), Labcorp
Classification: Uncertain significance. Last evaluated: 2024-07-29. Review status: criteria provided, single submitter. Criteria: Invitae Variant Classification Sherloc (09022015). Collection method: clinical testing. Allele origin: germline.
Comment: This sequence change replaces threonine, which is neutral and polar, with methionine, which is neutral and non-polar, at codon 1680 of the LAMA3 protein (p.Thr1680Met). This variant is present in population databases (rs762904852, gnomAD 0.04%). This variant has not been reported in the literature in individuals affected with LAMA3-related conditions. ClinVar contains an entry for this variant (Variation ID: 2208146). An algorithm developed to predict the effect of missense changes on protein structure and function (PolyPhen-2) suggests that this variant is likely to be disruptive. In summary, the available evidence is currently insufficient to determine the role of this variant in disease. Therefore, it has been classified as a Variant of Uncertain Significance.

Ambry Genetics
Classification: Uncertain significance for Inborn genetic diseases. Last evaluated: 2022-11-09. Review status: criteria provided, single submitter. Criteria: Ambry Variant Classification Scheme 2023. Collection method: clinical testing. Allele origin: germline.